The following is an entry in ClinVar:

ClinVar aggregate classification (germline): Uncertain significance (1 of 4 stars; one submission).

Allele frequency attached by ClinVar (database versions not stated): gnomAD exomes below 0.00001.
gnomAD v4.1: 1 of 1,345,580 alleles (0.000074%); highest among the groups gnomAD compares: Non-Finnish European, 0.000095%; no homozygotes.

Submission:

Labcorp Genetics (formerly Invitae), Labcorp
Classification: Uncertain significance. Last evaluated: 2022-09-10. Review status: criteria provided, single submitter. Criteria: Invitae Variant Classification Sherloc (09022015). Collection method: clinical testing. Allele origin: germline.
Comment: In summary, the available evidence is currently insufficient to determine the role of this variant in disease. Therefore, it has been classified as a Variant of Uncertain Significance. Advanced modeling of protein sequence and biophysical properties (such as structural, functional, and spatial information, amino acid conservation, physicochemical variation, residue mobility, and thermodynamic stability) performed at Invitae indicates that this missense variant is not expected to disrupt CDK13 protein function. This variant has not been reported in the literature in individuals affected with CDK13-related conditions. This variant is not present in population databases (gnomAD no frequency). This sequence change replaces aspartic acid, which is acidic and polar, with glutamic acid, which is acidic and polar, at codon 6 of the CDK13 protein (p.Asp6Glu).

NM_003718.5(CDK13):c.18C>A (p.Asp6Glu)

Gene: CDK13 (cyclin dependent kinase 13; plus strand). Cytogenetic location: 7p14.1.
Variant type: single nucleotide variant.
Coding change: c.18C>A on transcript NM_003718.5 (MANE Select); coding-DNA position 18, C replaced by A.
Protein change: p.Asp6Glu; replaces aspartic acid 6 with glutamic acid.
Molecular consequence: missense variant.
Genome position (GRCh38, 1-based): chr7:39,950,659, C>A. VCF-style: chr7-39950659-C-A. GRCh37 (hg19) VCF-style: chr7-39990258-C-A.
Other names: c.18C>A, p.Asp6Glu (NM_031267.4); short protein forms D6E.
Identifiers: ClinVar variation 2109336 (VCV002109336.4), dbSNP rs2483665915, ClinGen allele CA367308212.